The following is an entry in ClinVar:

ClinVar aggregate classification (germline): Uncertain significance (1 of 4 stars; one submission).

Conditions:
Long QT syndrome (LQTS). Identifiers: MedGen C0023976, MeSH D008133, MONDO:0002442. Disease mechanism: loss of function. Inheritance: Various modes of inheritance.

Submission:

Labcorp Genetics (formerly Invitae), Labcorp
Classification: Uncertain significance for Long QT syndrome. Last evaluated: 2023-01-17. Review status: criteria provided, single submitter. Criteria: Invitae Variant Classification Sherloc (09022015). Collection method: clinical testing. Allele origin: germline.
Comment: In summary, the available evidence is currently insufficient to determine the role of this variant in disease. Therefore, it has been classified as a Variant of Uncertain Significance. Algorithms developed to predict the effect of missense changes on protein structure and function (SIFT, PolyPhen-2, Align-GVGD) all suggest that this variant is likely to be tolerated. This variant has not been reported in the literature in individuals affected with AKAP9-related conditions. This variant is not present in population databases (gnomAD no frequency). This sequence change replaces leucine, which is neutral and non-polar, with phenylalanine, which is neutral and non-polar, at codon 2747 of the AKAP9 protein (p.Leu2747Phe).

NM_005751.5(AKAP9):c.8241G>T (p.Leu2747Phe)

Gene: AKAP9 (A-kinase anchoring protein 9; plus strand). Cytogenetic location: 7q21.2.
Variant type: single nucleotide variant.
Coding change: c.8241G>T on transcript NM_005751.5 (MANE Select); coding-DNA position 8241, G replaced by T.
Protein change: p.Leu2747Phe; replaces leucine 2747 with phenylalanine.
Molecular consequence: missense variant.
Genome position (GRCh38, 1-based): chr7:92,083,250, G>T. VCF-style: chr7-92083250-G-T. GRCh37 (hg19) VCF-style: chr7-91712564-G-T.
Other names: c.2886G>T, p.Leu962Phe (NM_001379277.1); c.8217G>T, p.Leu2739Phe (NM_147185.3); short protein forms L2747F, L2739F, L962F.
Identifiers: ClinVar variation 2827394 (VCV002827394.3), dbSNP rs1219426455, ClinGen allele CA368138289.